The following is an entry in ClinVar:

NM_004453.4(ETFDH):c.1531G>C (p.Asp511His)

Gene: ETFDH (electron transfer flavoprotein dehydrogenase; plus strand). Cytogenetic location: 4q32.1.
Variant type: single nucleotide variant.
Coding change: c.1531G>C on transcript NM_004453.4 (MANE Select); coding-DNA position 1531, G replaced by C.
Protein change: p.Asp511His; replaces aspartic acid 511 with histidine.
Molecular consequence: missense variant.
Genome position (GRCh38, 1-based): chr4:158,706,691, G>C. VCF-style: chr4-158706691-G-C. GRCh37 (hg19) VCF-style: chr4-159627843-G-C.
Other names: c.1390G>C, p.Asp464His (NM_001281737.2); c.1348G>C, p.Asp450His (NM_001281738.1); short protein forms D450H, D464H, D511H.
Identifiers: ClinVar variation 5041973 (VCV005041973.1).
Genomic context (GRCh38, chr4:158,706,691, plus strand): 5'-TCTGACTTTGAACGGCTCAAGCCAGCCAAGGATTGCACACCTATTGAGTATCCAAAACCC[G>C]ATGGACAGATCAGTTTTGACCTCTTGTCATCTGTGGCTCTGAGTGGTACTAATCATGAAC-3'
Protein context (NP_004444.2, residues 501-521): DCTPIEYPKP[Asp511His]GQISFDLLSS

ClinVar aggregate classification (germline): Likely pathogenic (1 of 4 stars; one submission).

Conditions:
Multiple acyl-CoA dehydrogenase deficiency (MADD). Also called: ETHYLMALONIC-ADIPICACIDURIA; GA II; Glutaric aciduria, type 2; Glutaric acidemia type II; GA 2; Glutaric Acidemia type 2. Identifiers: Orphanet 26791, MedGen C0268596, MONDO:0009282, OMIM 231680.

Submission:

Juno Genomics, Hangzhou Juno Genomics, Inc
Classification: Likely pathogenic for Multiple acyl-CoA dehydrogenase deficiency. Review status: criteria provided, single submitter. Criteria: ACMG Guidelines, 2015. Collection method: clinical testing. Allele origin: germline.
Comment: Absent from controls (or at extremely low frequency if recessive) in Genome Aggregation Database.;Multiple lines of computational evidence support a deleterious effect on the gene or gene product.;For recessive disorders, detected in trans with a pathogenic variant.